The following is an entry in ClinVar:

NM_001036.6(RYR3):c.648A>G (p.Gly216=)

Gene: RYR3 (ryanodine receptor 3; plus strand). Cytogenetic location: 15q14.
Variant type: single nucleotide variant.
Coding change: c.648A>G on transcript NM_001036.6 (MANE Select); coding-DNA position 648, A replaced by G.
Protein change: p.Gly216=; no amino-acid change (glycine 216 retained).
Molecular consequence: synonymous variant.
Genome position (GRCh38, 1-based): chr15:33,543,623, A>G. VCF-style: chr15-33543623-A-G. GRCh37 (hg19) VCF-style: chr15-33835824-A-G.
Other names: c.648A>G, p.Gly216= (NM_001243996.4).
Identifiers: ClinVar variation 566501 (VCV000566501.11), dbSNP rs200724716, ClinGen allele CA7457891.

ClinVar aggregate classification (germline): Likely benign. Review status: criteria provided, multiple submitters, no conflicts (2 of 4 stars). 2 submissions from 2 submitters: Likely benign (2). Last evaluated 2025-01-13.

Conditions:
RYR3-related disorder. Also called: RYR3-related condition.
Epileptic encephalopathy. Identifiers: MedGen C0543888, HP:0200134.

Allele frequency attached by ClinVar (database versions not stated): gnomAD exomes below 0.00001; ExAC 0.00001; 1000 Genomes Project 30x 0.00016; 1000 Genomes Project 0.00020; gnomAD 0.00021 and 0.00024; TOPMed 0.00065.
gnomAD v4.1: 53 of 1,586,798 alleles (0.0033%); highest among the groups gnomAD compares: Admixed American, 0.067%; no homozygotes.

Submissions (2):

PreventionGenetics, part of Exact Sciences
Classification: Likely benign for RYR3-related condition. Last evaluated: 2025-01-13. Review status: criteria provided, single submitter. Criteria: ACMG Guidelines, 2015. Collection method: clinical testing. Allele origin: germline.
Comment: This variant is classified as likely benign based on ACMG/AMP sequence variant interpretation guidelines (Richards et al. 2015 PMID: 25741868, with internal and published modifications).

Labcorp Genetics (formerly Invitae), Labcorp
Classification: Likely benign for Epileptic encephalopathy. Last evaluated: 2022-08-31. Review status: criteria provided, single submitter. Criteria: Invitae Variant Classification Sherloc (09022015). Collection method: clinical testing. Allele origin: germline.